The following is an entry in ClinVar:

NM_001793.6(CDH3):c.226C>T (p.Arg76Trp)

Gene: CDH3 (cadherin 3; plus strand). Cytogenetic location: 16q22.1.
Variant type: single nucleotide variant.
Coding change: c.226C>T on transcript NM_001793.6 (MANE Select); coding-DNA position 226, C replaced by T.
Protein change: p.Arg76Trp; replaces arginine 76 with tryptophan.
Molecular consequence: missense variant.
Genome position (GRCh38, 1-based): chr16:68,676,450, C>T. VCF-style: chr16-68676450-C-T. GRCh37 (hg19) VCF-style: chr16-68710353-C-T.
Other names: c.226C>T, p.Arg76Trp (NM_001317195.3); c.61C>T, p.Arg21Trp (NM_001317196.2); short protein forms R76W, R21W.
Identifiers: ClinVar variation 2110178 (VCV002110178.1), dbSNP rs546610061, ClinGen allele CA8128955.

ClinVar aggregate classification (germline): Uncertain significance (1 of 4 stars; one submission).

Allele frequency attached by ClinVar (database versions not stated): ExAC 0.00001; gnomAD 0.00001.
gnomAD v4.1: 17 of 1,613,058 alleles (0.0011%); highest among the groups gnomAD compares: Non-Finnish European, 0.0013%; no homozygotes.

Submission:

Labcorp Genetics (formerly Invitae), Labcorp
Classification: Uncertain significance. Last evaluated: 2022-07-20. Review status: criteria provided, single submitter. Criteria: Invitae Variant Classification Sherloc (09022015). Collection method: clinical testing. Allele origin: germline.
Comment: This sequence change replaces arginine, which is basic and polar, with tryptophan, which is neutral and slightly polar, at codon 76 of the CDH3 protein (p.Arg76Trp). This variant is present in population databases (rs546610061, gnomAD 0.003%). This variant has not been reported in the literature in individuals affected with CDH3-related conditions. Algorithms developed to predict the effect of missense changes on protein structure and function are either unavailable or do not agree on the potential impact of this missense change (SIFT: "Not Available"; PolyPhen-2: "Benign"; Align-GVGD: "Not Available"). In summary, the available evidence is currently insufficient to determine the role of this variant in disease. Therefore, it has been classified as a Variant of Uncertain Significance.